The following is an entry in ClinVar:

ClinVar aggregate classification (germline): Benign (0 of 4 stars; one submission).

Conditions:
XIRP2-related disorder. Also called: XIRP2-related condition.

Allele frequency attached by ClinVar (database versions not stated): gnomAD exomes 0.05120; ESP Exome Variant Server 0.05691; ExAC 0.05821; TOPMed 0.06026; gnomAD 0.06159; 1000 Genomes Project 30x 0.08042; 1000 Genomes Project 0.08387.
gnomAD v4.1: 84,187 of 1,613,028 alleles (5.2%); highest among the groups gnomAD compares: East Asian, 9.1%; 2,495 homozygotes.

Submission:

PreventionGenetics, part of Exact Sciences
Classification: Benign for XIRP2-related condition. Last evaluated: 2019-02-22. Review status: no assertion criteria provided. Collection method: clinical testing. Allele origin: germline.
Comment: This variant is classified as benign based on ACMG/AMP sequence variant interpretation guidelines (Richards et al. 2015 PMID: 25741868, with internal and published modifications).

NM_152381.6(XIRP2):c.3240T>G (p.Thr1080=)

Gene: XIRP2 (xin actin binding repeat containing 2; plus strand). Cytogenetic location: 2q24.3.
Variant type: single nucleotide variant.
Coding change: c.3240T>G on transcript NM_152381.6 (MANE Select); coding-DNA position 3240, T replaced by G.
Protein change: p.Thr1080=; no amino-acid change (threonine 1080 retained).
Molecular consequence: synonymous variant. On other transcripts: intron variant (3).
Genome position (GRCh38, 1-based): chr2:167,244,632, T>G. VCF-style: chr2-167244632-T-G. GRCh37 (hg19) VCF-style: chr2-168101142-T-G.
Other names: c.2574T>G, p.Thr858= (NM_001199144.2); c.1275+2722T>G (NM_001199143.2); c.1176+2722T>G (NM_001079810.4); c.510+2722T>G (NM_001199145.2).
Identifiers: ClinVar variation 3059357 (VCV003059357.2), dbSNP rs61748633, ClinGen allele CA1946808.